The following is an entry in ClinVar:

ClinVar aggregate classification (germline): Likely benign. Review status: criteria provided, multiple submitters, no conflicts (2 of 4 stars). 2 submissions from 2 submitters: Likely benign (2). Last evaluated 2023-10-14.

Conditions:
Hereditary spastic paraplegia 43. Also called: Spastic paraplegia 43, autosomal recessive. Identifiers: Orphanet 320370, MedGen C2680446, MONDO:0014024, OMIM 615043.

Allele frequency attached by ClinVar (database versions not stated): TOPMed 0.00001; gnomAD 0.00003 and 0.00004; ESP Exome Variant Server 0.00008.
gnomAD v4.1: 20 of 1,613,078 alleles (0.0012%); highest among the groups gnomAD compares: Non-Finnish European, 0.0015%; no homozygotes.

Submissions (2):

Labcorp Genetics (formerly Invitae), Labcorp
Classification: Likely benign for Hereditary spastic paraplegia 43. Last evaluated: 2023-10-14. Review status: criteria provided, single submitter. Criteria: Invitae Variant Classification Sherloc (09022015). Collection method: clinical testing. Allele origin: germline.

GeneDx
Classification: Likely benign. Last evaluated: 2016-05-17. Review status: criteria provided, single submitter. Criteria: GeneDx Variant Classification (06012015). Collection method: clinical testing. Allele origin: germline. Affected: yes.
Comment: This variant is considered likely benign or benign based on one or more of the following criteria: it is a conservative change, it occurs at a poorly conserved position in the protein, it is predicted to be benign by multiple in silico algorithms, and/or has population frequency not consistent with disease.

NM_031448.6(C19orf12):c.135G>A (p.Val45=)

Gene: C19orf12 (chromosome 19 open reading frame 12; minus strand). Cytogenetic location: 19q12.
Variant type: single nucleotide variant.
Coding change: c.135G>A on transcript NM_031448.6 (MANE Select); coding-DNA position 135, G replaced by A.
Protein change: p.Val45=; no amino-acid change (valine 45 retained).
Molecular consequence: synonymous variant. On other transcripts: 5 prime UTR variant (1), intron variant (2).
Genome position (GRCh38, 1-based): chr19:29,708,279, C>T on the plus strand (G>A on the coding strand, the complement: C19orf12 is on the minus strand). VCF-style: chr19-29708279-C-T. GRCh37 (hg19) VCF-style: chr19-30199186-C-T.
Other names: c.135G>A, p.Val45= (NM_001031726.4, NM_001256046.3, NM_001256047.2); c.-179G>A (NM_001282931.3); c.-32-5302G>A (NM_001282929.1, NM_001282930.3).
Identifiers: ClinVar variation 386016 (VCV000386016.4), dbSNP rs370529654, ClinGen allele CA9351979.